The following is an entry in ClinVar:

NM_003632.3(CNTNAP1):c.564G>A (p.Pro188=)

Gene: CNTNAP1 (contactin associated protein 1; plus strand). Cytogenetic location: 17q21.2.
Variant type: single nucleotide variant.
Coding change: c.564G>A on transcript NM_003632.3 (MANE Select); coding-DNA position 564, G replaced by A.
Protein change: p.Pro188=; no amino-acid change (proline 188 retained).
Molecular consequence: synonymous variant.
Genome position (GRCh38, 1-based): chr17:42,685,269, G>A. VCF-style: chr17-42685269-G-A. GRCh37 (hg19) VCF-style: chr17-40837287-G-A.
Other names: p.Pro188=.
Identifiers: ClinVar variation 788749 (VCV000788749.47), dbSNP rs144554326, ClinGen allele CA8581561.

ClinVar aggregate classification (germline): Benign/Likely benign. Review status: criteria provided, multiple submitters, no conflicts (2 of 4 stars). 7 submissions from 7 submitters: Benign (2); Likely benign (5). Last evaluated 2026-06-01.

Allele frequency attached by ClinVar (database versions not stated): TOPMed 0.00108; 1000 Genomes Project 30x 0.00109; 1000 Genomes Project 0.00120; gnomAD 0.00130 and 0.00133; gnomAD exomes 0.00168 and 0.00178; ESP Exome Variant Server 0.00169; ExAC 0.00198.
gnomAD v4.1: 2,643 of 1,613,762 alleles (0.16%); highest among the groups gnomAD compares: South Asian, 0.4%; 6 homozygotes.

Submissions (7):

CeGaT Center for Human Genetics Tuebingen
Classification: Likely benign. Last evaluated: 2026-06-01. Review status: criteria provided, single submitter. Criteria: CeGaT Center For Human Genetics Tuebingen Variant Classification Criteria Version 2. Collection method: clinical testing. Allele origin: germline. Affected: yes. Observed: 9 variant alleles.
Comment: CNTNAP1: BP4, BP7

Labcorp Genetics (formerly Invitae), Labcorp
Classification: Benign. Last evaluated: 2025-10-08. Review status: criteria provided, single submitter. Criteria: Invitae Variant Classification Sherloc (09022015). Collection method: clinical testing. Allele origin: germline.

Mayo Clinic Laboratories, Mayo Clinic
Classification: Benign. Last evaluated: 2025-07-16. Review status: criteria provided, single submitter. Criteria: ACMG Guidelines, 2015. Collection method: clinical testing. Allele origin: germline. Observed: 5 variant alleles.
Comment: BS1, BS2, BP4, BP7

Blueprint Genetics
Classification: Likely benign. Last evaluated: 2024-11-22. Review status: criteria provided, single submitter. Criteria: ACMG Guidelines, 2015. Collection method: clinical testing. Allele origin: germline.

Women's Health and Genetics/Laboratory Corporation of America, LabCorp
Classification: Likely benign. Last evaluated: 2024-07-05. Review status: criteria provided, single submitter. Criteria: LabCorp Variant Classification Summary - May 2015. Collection method: clinical testing. Allele origin: germline.

GeneDx
Classification: Likely benign. Last evaluated: 2021-01-19. Review status: criteria provided, single submitter. Criteria: GeneDx Variant Classification Process June 2021. Collection method: clinical testing. Allele origin: germline. Affected: yes.

Breakthrough Genomics
Classification: Likely benign. Review status: criteria provided, single submitter. Criteria: ACMG Guidelines, 2015. Collection method: not provided. Allele origin: germline. Inheritance: Autosomal recessive inheritance. Affected: yes.